The following is an entry in ClinVar:

ClinVar aggregate classification (germline): Uncertain significance. Review status: criteria provided, multiple submitters, no conflicts (2 of 4 stars). 2 submissions from 2 submitters: Uncertain significance (2). Last evaluated 2025-09-24.

Conditions:
Inborn genetic diseases. Identifiers: MedGen C0950123, MeSH D030342.

Allele frequency attached by ClinVar (database versions not stated): gnomAD exomes below 0.00001.
gnomAD v4.1: 1 of 1,614,110 alleles (0.000062%); highest among the groups gnomAD compares: Admixed American, 0.0017%; no homozygotes.

Submissions (2):

Labcorp Genetics (formerly Invitae), Labcorp
Classification: Uncertain significance. Last evaluated: 2025-09-24. Review status: criteria provided, single submitter. Criteria: Invitae Variant Classification Sherloc (09022015). Collection method: clinical testing. Allele origin: germline.
Comment: This sequence change replaces serine, which is neutral and polar, with asparagine, which is neutral and polar, at codon 370 of the SCN3A protein (p.Ser370Asn). This variant is present in population databases (no rsID available, gnomAD 0.003%). This variant has not been reported in the literature in individuals affected with SCN3A-related conditions. ClinVar contains an entry for this variant (Variation ID: 853608). Invitae Evidence Modeling of protein sequence and biophysical properties (such as structural, functional, and spatial information, amino acid conservation, physicochemical variation, residue mobility, and thermodynamic stability) indicates that this missense variant is not expected to disrupt SCN3A protein function with a negative predictive value of 95%. In summary, the available evidence is currently insufficient to determine the role of this variant in disease. Therefore, it has been classified as a Variant of Uncertain Significance.

Ambry Genetics
Classification: Uncertain significance for Inborn genetic diseases. Last evaluated: 2024-07-16. Review status: criteria provided, single submitter. Criteria: Ambry Variant Classification Scheme 2023. Collection method: clinical testing. Allele origin: germline.

NM_006922.4(SCN3A):c.1109G>A (p.Ser370Asn)

Gene: SCN3A (sodium voltage-gated channel alpha subunit 3; minus strand). Cytogenetic location: 2q24.3.
Variant type: single nucleotide variant.
Coding change: c.1109G>A on transcript NM_006922.4 (MANE Select); coding-DNA position 1109, G replaced by A.
Protein change: p.Ser370Asn; replaces serine 370 with asparagine.
Molecular consequence: missense variant.
Genome position (GRCh38, 1-based): chr2:165,155,826, C>T on the plus strand (G>A on the coding strand, the complement: SCN3A is on the minus strand). VCF-style: chr2-165155826-C-T. GRCh37 (hg19) VCF-style: chr2-166012336-C-T.
Other names: c.1109G>A, p.Ser370Asn (NM_001081676.2, NM_001081677.2); short protein forms S370N.
Identifiers: ClinVar variation 853608 (VCV000853608.10), dbSNP rs1447015135, ClinGen allele CA349238498.